The following is an entry in ClinVar:

NM_000070.3(CAPN3):c.509A>G (p.Tyr170Cys)

Gene: CAPN3 (calpain 3; plus strand). Cytogenetic location: 15q15.1.
Variant type: single nucleotide variant.
Coding change: c.509A>G on transcript NM_000070.3 (MANE Select); coding-DNA position 509, A replaced by G.
Protein change: p.Tyr170Cys; replaces tyrosine 170 with cysteine.
Molecular consequence: missense variant.
Genome position (GRCh38, 1-based): chr15:42,387,763, A>G. VCF-style: chr15-42387763-A-G. GRCh37 (hg19) VCF-style: chr15-42679961-A-G.
Other names: c.509A>G, p.Tyr170Cys (NM_024344.2, NM_173087.2); short protein forms Y170C.
Identifiers: ClinVar variation 557074 (VCV000557074.14), dbSNP rs1555420468, ClinGen allele CA391997764.
Genomic context (GRCh38, chr15:42,387,763, plus strand): 5'-TCCTAACAGTAATTTGAGTATGTGACTCTGTGCGTGACGCTTCTGTGCAGTTCTGGCGCT[A>G]TGGAGAGTGGGTGGACGTGGTTATAGATGACTGCCTGCCAACGTACAACAATCAACTGGT-3'
Protein context (NP_000061.1, residues 160-180): AGIFHFQFWR[Tyr170Cys]GEWVDVVIDD

ClinVar aggregate classification (germline): Pathogenic/Likely pathogenic. Review status: criteria provided, multiple submitters, no conflicts (2 of 4 stars). 4 submissions from 4 submitters: Pathogenic (1); Likely pathogenic (2). 1 of the submissions does not count toward it. Last evaluated 2025-10-13.

Conditions:
Autosomal recessive limb-girdle muscular dystrophy type 2A (LGMDR1). Also called: Muscular dystrophy, limb-girdle, type 2A, Amish; LEYDEN-MOEBIUS MUSCULAR DYSTROPHY; MUSCULAR DYSTROPHY, PELVOFEMORAL; Limb-girdle muscular dystrophy, type 2A; Calpainopathy. Identifiers: Orphanet 267, MedGen C1869123, MONDO:0009675, OMIM 253600. Disease mechanism: loss of function.

Allele frequency attached by ClinVar (database versions not stated): gnomAD exomes below 0.00001; gnomAD 0.00001.
gnomAD v4.1: 3 of 1,614,204 alleles (0.00019%); highest among the groups gnomAD compares: East Asian, 0.0022%; no homozygotes.

Submissions (4):

Labcorp Genetics (formerly Invitae), Labcorp
Classification: Pathogenic for Autosomal recessive limb-girdle muscular dystrophy type 2A. Last evaluated: 2025-10-13. Review status: criteria provided, single submitter. Criteria: Invitae Variant Classification Sherloc (09022015). Collection method: clinical testing. Allele origin: germline.
Comment: This sequence change replaces tyrosine, which is neutral and polar, with cysteine, which is neutral and slightly polar, at codon 170 of the CAPN3 protein (p.Tyr170Cys). This variant is not present in population databases (gnomAD no frequency). This missense change has been observed in individual(s) with autosomal recessive limb-girdle muscular dystrophy (PMID: 18055493, 23821418, 25135358, 31127727; external communication). In at least one individual the data is consistent with being in trans (on the opposite chromosome) from a pathogenic variant. ClinVar contains an entry for this variant (Variation ID: 557074). Invitae Evidence Modeling of protein sequence and biophysical properties (such as structural, functional, and spatial information, amino acid conservation, physicochemical variation, residue mobility, and thermodynamic stability) indicates that this missense variant is not expected to disrupt CAPN3 protein function with a negative predictive value of 80%. For these reasons, this variant has been classified as Pathogenic.

Natera, Inc.
Classification: Likely pathogenic for Limb-girdle muscular dystrophy type 2A. Last evaluated: 2025-02-11. Review status: criteria provided, single submitter. Criteria: Natera Variant Classification Schema (03/2026). Collection method: clinical testing. Allele origin: germline.
Comment: The c.509A>G variant in CAPN3 is a missense variant predicted to cause substitution of tyrosine to cysteine at amino acid 170. This variant is rare in the general population with a frequency below the threshold expected for the associated phenotype(s). This variant has been observed in one or more individuals affected with the associated recessive disease, as either homozygous or compound heterozygous with a second variant (PMID: 25135358, 18055493, 23821418). Computational prediction algorithms indicate this variant is likely to affect gene or protein function. Given the available evidence, this variant is classified as Likely Pathogenic.

Broad Center for Mendelian Genomics, Broad Institute of MIT and Harvard
Classification: Likely pathogenic for Autosomal recessive limb-girdle muscular dystrophy type 2A. Last evaluated: 2024-04-11. Review status: criteria provided, single submitter. Criteria: ACMG Guidelines, 2015. Collection method: research. Allele origin: germline. Inheritance: Autosomal recessive inheritance. Affected: yes.
Comment: The p.Tyr170Cys variant in CAPN3 was identified by our study in 2 siblings with autosomal recessive limb-girdle muscular dystrophy, in the compound heterozygous state along with another pathogenic variant. The phase of these variants are unknown at this time. The p.Tyr170Cys variant has also been reported in 4 individuals with limb-girdle muscular dystrophy (PMID: 18055493, 23821418, 25135358), and has been identified in 0.002% (1/44892) of East Asian chromosomes by the Genome Aggregation Database (gnomAD; dbSNP: rs1555420468). Although this variant has been seen in the general population in a heterozygous state, its frequency is low enough to be consistent with a recessive carrier frequency. This variant has also been reported in ClinVar (Variation ID: 557074) and has been interpreted as likely pathogenic by Counsyl and pathogenic by Invitae. Of the five affected individuals, four were compound heterozygotes that carried a reported pathogenic variant with unknown phase, which increases the likelihood that the p.Tyr170Cys variant is pathogenic (Variation ID: 17621, 283259; (PMID: 18055493, 23821418, 25135358). Computational prediction tools and conservation analyses suggest that this variant may impact the protein, though this information is not predictive enough to determine pathogenicity. In summary, although additional studies are required to fully establish its clinical significance, this variant is likely pathogenic for autosomal recessive limb-girdle muscular dystrophy. ACMG/AMP Criteria applied: PM3_strong, PP3_moderate, PM2_supporting (Richards 2015).

Counsyl
Classification: Likely pathogenic for Autosomal recessive limb-girdle muscular dystrophy type 2A. Last evaluated: 2018-03-07. Review status: no assertion criteria provided. Collection method: clinical testing. Allele origin: unknown. Not counted in ClinVar's aggregate classification.

Literature cited by the submitters: PubMed 18055493 (cited by 3 submitters); PubMed 23821418 (cited by 3 submitters); PubMed 25135358 (cited by 3 submitters); PubMed 31127727 (cited by Labcorp Genetics (formerly Invitae), Labcorp).